The following is an entry in ClinVar:

NM_015225.3(PRUNE2):c.2416G>A (p.Glu806Lys)

Gene: PRUNE2 (prune homolog 2 with BCH domain; minus strand). Cytogenetic location: 9q21.2.
Variant type: single nucleotide variant.
Coding change: c.2416G>A on transcript NM_015225.3 (MANE Select); coding-DNA position 2416, G replaced by A.
Protein change: p.Glu806Lys; replaces glutamic acid 806 with lysine.
Molecular consequence: missense variant. On other transcripts: non-coding transcript variant (1).
Genome position (GRCh38, 1-based): chr9:76,709,858, C>T on the plus strand (G>A on the coding strand, the complement: PRUNE2 is on the minus strand). VCF-style: chr9-76709858-C-T. GRCh37 (hg19) VCF-style: chr9-79324774-C-T.
Other names: c.2416G>A, p.Glu806Lys (NM_001308047.2, NM_001308048.2); short protein forms E806K.
Identifiers: ClinVar variation 2253956 (VCV002253956.25), dbSNP rs375315668, ClinGen allele CA5090193.
Genomic context (GRCh38, chr9:76,709,858, plus strand): 5'-GTGTCTTGCTGCTTGTTGGGTGCAAATTCCAGGTATTTTTTAAAGCTTCATCATGATCTT[C>T]TTTACCAAATGCACTCCAGGCTGGGAATGGCGCCACAGCTGCTGGTTCACCATCATCTGT-3'
Protein context (NP_056040.2, residues 796-816): PFPAWSAFGK[Glu806Lys]DHDEALKNTW

ClinVar aggregate classification (germline): Conflicting classifications of pathogenicity. Review status: criteria provided, conflicting classifications (1 of 4 stars). 2 submissions from 2 submitters: Uncertain significance (1); Likely benign (1). Last evaluated 2023-11-01.

Allele frequency attached by ClinVar (database versions not stated): TOPMed 0.00009; gnomAD 0.00011; gnomAD exomes 0.00016; ESP Exome Variant Server 0.00019; ExAC 0.00024.
gnomAD v4.1: 258 of 1,613,792 alleles (0.016%); highest among the groups gnomAD compares: Middle Eastern, 0.12%; 2 homozygotes.

Submissions (2):

CeGaT Center for Human Genetics Tuebingen
Classification: Likely benign. Last evaluated: 2023-11-01. Review status: criteria provided, single submitter. Criteria: CeGaT Center For Human Genetics Tuebingen Variant Classification Criteria Version 2. Collection method: clinical testing. Allele origin: germline. Affected: yes. Observed: 1 variant allele.
Comment: PRUNE2: BP4

Ambry Genetics
Classification: Uncertain significance. Last evaluated: 2021-10-12. Review status: criteria provided, single submitter. Criteria: Ambry Variant Classification Scheme 2023. Collection method: clinical testing. Allele origin: germline.